The following is an entry in ClinVar:

NM_001374736.1(DST):c.3585T>C (p.Asn1195=)

Gene: DST (dystonin; minus strand). Cytogenetic location: 6p12.1.
Variant type: single nucleotide variant.
Coding change: c.3585T>C on transcript NM_001374736.1 (MANE Select); coding-DNA position 3585, T replaced by C.
Protein change: p.Asn1195=; no amino-acid change (asparagine 1195 retained).
Molecular consequence: synonymous variant.
Genome position (GRCh38, 1-based): chr6:56,634,168, A>G on the plus strand (T>C on the coding strand, the complement: DST is on the minus strand). VCF-style: chr6-56634168-A-G. GRCh37 (hg19) VCF-style: chr6-56498966-A-G.
Other names: c.3486T>C, p.Asn1162= (NM_001144769.5); c.3072T>C, p.Asn1024= (NM_001144770.2); c.3585T>C, p.Asn1195= (NM_001374722.1); c.2952T>C, p.Asn984= (NM_001374729.1, NM_001374730.1, NM_001386100.1 and 1 more transcripts); c.3612T>C, p.Asn1204= (NM_001374734.1); c.1974T>C, p.Asn658= (NM_001723.7, NM_015548.5); c.1974T>C (NM_001723.5).
Identifiers: ClinVar variation 1132123 (VCV001132123.10), dbSNP rs1213338072, ClinGen allele CA450491198.

ClinVar aggregate classification (germline): Conflicting classifications of pathogenicity. Review status: criteria provided, conflicting classifications (1 of 4 stars). 2 submissions from 2 submitters: Uncertain significance (1); Likely benign (1). Last evaluated 2024-07-30.

Conditions:
Hereditary sensory and autonomic neuropathy type 6. Also called: Neuropathy, hereditary sensory and autonomic, type VI; HSAN VI. Identifiers: Orphanet 314381, MedGen C3539003, MONDO:0013839, OMIM 614653.
Epidermolysis bullosa simplex 3, localized or generalized intermediate, with BP230 deficiency (EBS3). Also called: Epidermolysis bullosa simplex due to BP230 deficiency; Epidermolysis bullosa simplex, autosomal recessive 2. Identifiers: Orphanet 412181, MedGen C3809470, MONDO:0014180, OMIM 615425.

Allele frequency attached by ClinVar (database versions not stated): gnomAD exomes below 0.00001; gnomAD 0.00001; TOPMed 0.00001.
gnomAD v4.1: 7 of 1,613,394 alleles (0.00043%); highest among the groups gnomAD compares: Non-Finnish European, 0.00059%; no homozygotes.

Submissions (2):

Labcorp Genetics (formerly Invitae), Labcorp
Classification: Likely benign for Epidermolysis bullosa simplex 3, localized or generalized intermediate, with BP230 deficiency; Hereditary sensory and autonomic neuropathy type 6. Last evaluated: 2024-07-30. Review status: criteria provided, single submitter. Criteria: Invitae Variant Classification Sherloc (09022015). Collection method: clinical testing. Allele origin: germline.

GeneDx
Classification: Uncertain significance. Last evaluated: 2024-04-24. Review status: criteria provided, single submitter. Criteria: GeneDx Variant Classification Process June 2021. Collection method: clinical testing. Allele origin: germline. Affected: yes.
Comment: Not observed at significant frequency in large population cohorts (gnomAD); In silico analysis indicates that this variant does not alter splicing; Has not been previously published as pathogenic or benign to our knowledge; Reported using the transcript encoding the epithelial isoform of the gene.